The following is an entry in ClinVar:

NM_012179.4(FBXO7):c.1144+9C>T

Gene: FBXO7 (F-box protein 7; plus strand). Cytogenetic location: 22q12.3.
Variant type: single nucleotide variant.
Coding change: c.1144+9C>T on transcript NM_012179.4 (MANE Select); 9 bases into the intron after coding-DNA position 1144, C replaced by T.
Molecular consequence: intron variant.
Genome position (GRCh38, 1-based): chr22:32,493,290, C>T. VCF-style: chr22-32493290-C-T. GRCh37 (hg19) VCF-style: chr22-32889277-C-T.
Other names: p.?; c.802+9C>T (NM_001257990.2); c.907+9C>T (NM_001033024.2).
Identifiers: ClinVar variation 341317 (VCV000341317.19), dbSNP rs199954341, ClinGen allele CA10201654.

ClinVar aggregate classification (germline): Conflicting classifications of pathogenicity. Review status: criteria provided, conflicting classifications (1 of 4 stars). 6 submissions from 6 submitters: Uncertain significance (1); Benign (2); Likely benign (1). 2 of the submissions do not count toward it. Last evaluated 2026-01-09.

Conditions:
Parkinsonian-pyramidal syndrome. Also called: PARKINSON DISEASE 15, AUTOSOMAL RECESSIVE; PARKINSON DISEASE 15, AUTOSOMAL RECESSIVE EARLY-ONSET; PALLIDOPYRAMIDAL SYNDROME. Identifiers: Orphanet 171695, MedGen C1850100, MONDO:0009830, OMIM 260300.

Allele frequency attached by ClinVar (database versions not stated): 1000 Genomes Project 30x 0.00016; 1000 Genomes Project 0.00020; TOPMed 0.00077; gnomAD 0.00100 and 0.00106; ESP Exome Variant Server 0.00108; gnomAD exomes 0.00141 and 0.00161; ExAC 0.00151.
gnomAD v4.1: 2,478 of 1,611,864 alleles (0.15%); highest among the groups gnomAD compares: Non-Finnish European, 0.18%; 4 homozygotes.

Submissions (6):

Labcorp Genetics (formerly Invitae), Labcorp
Classification: Benign for Parkinsonian-pyramidal syndrome. Last evaluated: 2026-01-09. Review status: criteria provided, single submitter. Criteria: Invitae Variant Classification Sherloc (09022015). Collection method: clinical testing. Allele origin: germline.

Mayo Clinic Laboratories, Mayo Clinic
Classification: Benign. Last evaluated: 2025-09-08. Review status: criteria provided, single submitter. Criteria: ACMG Guidelines, 2015. Collection method: clinical testing. Allele origin: germline. Observed: 1 variant allele.
Comment: BS1, BS2, BP4, BP7

Blueprint Genetics
Classification: Likely benign. Last evaluated: 2024-10-03. Review status: criteria provided, single submitter. Criteria: ACMG Guidelines, 2015. Collection method: clinical testing. Allele origin: germline.

Illumina Laboratory Services, Illumina
Classification: Uncertain significance for Parkinsonian-pyramidal syndrome. Last evaluated: 2018-01-12. Review status: criteria provided, single submitter. Criteria: ICSL Variant Classification Criteria 13 December 2019. Collection method: clinical testing. Allele origin: germline.

Clinical Genetics DNA and cytogenetics Diagnostics Lab, Erasmus MC, Erasmus Medical Center
Classification: Likely benign. Review status: no assertion criteria provided. Collection method: clinical testing. Allele origin: germline. Affected: yes. Study: VKGL Data-share Consensus. Not counted in ClinVar's aggregate classification.

Genome Diagnostics Laboratory, Amsterdam University Medical Center
Classification: Likely benign. Review status: no assertion criteria provided. Collection method: clinical testing. Allele origin: germline. Affected: yes. Study: VKGL Data-share Consensus. Not counted in ClinVar's aggregate classification.